The following is an entry in ClinVar:

ClinVar aggregate classification (germline): Uncertain significance. Review status: criteria provided, multiple submitters, no conflicts (2 of 4 stars). 2 submissions from 2 submitters: Uncertain significance (2). Last evaluated 2025-11-03.

Conditions:
Inborn genetic diseases. Identifiers: MedGen C0950123, MeSH D030342.
Muscular dystrophy-dystroglycanopathy (congenital with brain and eye anomalies), type a, 11 (MDDGA11). Also called: WALKER-WARBURG SYNDROME OR MUSCLE-EYE-BRAIN DISEASE, B3GALNT2-RELATED; Congenital muscular dystrophy-dystroglycanopathy with brain and eye anomalies, type A11; Muscular dystrophy-dystroglycanopathy (congenital with brain and eye anomalies, type A, 11. Identifiers: Orphanet 588, Orphanet 899, MedGen C3554638, MONDO:0014071, OMIM 615181.

Allele frequency attached by ClinVar (database versions not stated): TOPMed 0.00001; gnomAD exomes below 0.00001.
gnomAD v4.1: 3 of 1,606,870 alleles (0.00019%); highest among the groups gnomAD compares: African/African-American, 0.0013%; no homozygotes.

Submissions (2):

Ambry Genetics
Classification: Uncertain significance for Inborn genetic diseases. Last evaluated: 2025-11-03. Review status: criteria provided, single submitter. Criteria: Ambry Variant Classification Scheme 2023. Collection method: clinical testing. Allele origin: germline.

Labcorp Genetics (formerly Invitae), Labcorp
Classification: Uncertain significance for Muscular dystrophy-dystroglycanopathy (congenital with brain and eye anomalies), type a, 11. Last evaluated: 2019-01-31. Review status: criteria provided, single submitter. Criteria: Invitae Variant Classification Sherloc (09022015). Collection method: clinical testing. Allele origin: germline.
Comment: In summary, the available evidence is currently insufficient to determine the role of this variant in disease. Therefore, it has been classified as a Variant of Uncertain Significance. Algorithms developed to predict the effect of missense changes on protein structure and function output the following: SIFT: "Tolerated"; PolyPhen-2: "Benign"; Align-GVGD: "Class C0". The phenylalanine amino acid residue is found in multiple mammalian species, suggesting that this missense change does not adversely affect protein function. These predictions have not been confirmed by published functional studies and their clinical significance is uncertain. This variant has not been reported in the literature in individuals with B3GALNT2-related conditions. This variant is not present in population databases (ExAC no frequency). This sequence change replaces leucine with phenylalanine at codon 296 of the B3GALNT2 protein (p.Leu296Phe). The leucine residue is weakly conserved and there is a small physicochemical difference between leucine and phenylalanine.

NM_152490.5(B3GALNT2):c.886C>T (p.Leu296Phe)

Gene: B3GALNT2 (beta-1,3-N-acetylgalactosaminyltransferase 2; minus strand). Cytogenetic location: 1q42.3.
Variant type: single nucleotide variant.
Coding change: c.886C>T on transcript NM_152490.5 (MANE Select); coding-DNA position 886, C replaced by T.
Protein change: p.Leu296Phe; replaces leucine 296 with phenylalanine.
Molecular consequence: missense variant.
Genome position (GRCh38, 1-based): chr1:235,458,742, G>A on the plus strand (C>T on the coding strand, the complement: B3GALNT2 is on the minus strand). VCF-style: chr1-235458742-G-A. GRCh37 (hg19) VCF-style: chr1-235622050-G-A.
Other names: c.886C>T (NM_152490.2); short protein forms L296F.
Identifiers: ClinVar variation 851810 (VCV000851810.7), dbSNP rs1683281659, ClinGen allele CA344960253.